The following is an entry in ClinVar:

NM_002032.3(FTH1):c.277G>A (p.Asp93Asn)

Genes: BEST1 (bestrophin 1; plus strand), FTH1 (ferritin heavy chain 1; minus strand). Cytogenetic location: 11q12.3.
Variant type: single nucleotide variant.
Coding change: c.277G>A on transcript NM_002032.3 (MANE Select); coding-DNA position 277, G replaced by A.
Protein change: p.Asp93Asn; replaces aspartic acid 93 with asparagine.
Molecular consequence: missense variant.
Genome position (GRCh38, 1-based): chr11:61,965,097, C>T on the plus strand (G>A on the coding strand, the complement: FTH1 is on the minus strand). VCF-style: chr11-61965097-C-T. GRCh37 (hg19) VCF-style: chr11-61732569-C-T.
Other names: short protein forms D93N.
Identifiers: ClinVar variation 3346278 (VCV003346278.1).

ClinVar aggregate classification (germline): Uncertain significance (0 of 4 stars; one submission).

Conditions:
FTH1-related disorder. Also called: FTH1-related condition.

Submission:

PreventionGenetics, part of Exact Sciences
Classification: Uncertain significance for FTH1-related condition. Last evaluated: 2024-08-28. Review status: no assertion criteria provided. Collection method: clinical testing. Allele origin: germline.
Comment: The FTH1 c.277G>A variant is predicted to result in the amino acid substitution p.Asp93Asn. To our knowledge, this variant has not been reported in the literature or in a large population database, indicating this variant is rare. At this time, the clinical significance of this variant is uncertain due to the absence of conclusive functional and genetic evidence.